The following is an entry in ClinVar:

ClinVar aggregate classification (germline): Conflicting classifications of pathogenicity. Review status: criteria provided, conflicting classifications (1 of 4 stars). 2 submissions from 2 submitters: Likely pathogenic (1); Uncertain significance (1). Last evaluated 2020-01-17.

Conditions:
Multiple self-healing squamous epithelioma (MSSE). Also called: MULTIPLE SELF-HEALING SQUAMOUS EPITHELIOMA, SUSCEPTIBILITY TO. Identifiers: Orphanet 65748, MedGen C0546476, MONDO:0007566, OMIM 132800.
Familial thoracic aortic aneurysm and aortic dissection (TAAD). Also called: Thoracic aortic aneurysms and dissections. Identifiers: Orphanet 91387, MedGen C4707243, MONDO:0019625.

Submissions (2):

Color Diagnostics, LLC DBA Color Health
Classification: Uncertain significance for Familial thoracic aortic aneurysm and aortic dissection. Last evaluated: 2020-01-17. Review status: criteria provided, single submitter. Criteria: ACMG Guidelines, 2015. Collection method: clinical testing. Allele origin: germline.
Comment: This variant alters the canonical splice acceptor site in intron 7 of the TGFBR1 gene. Splice site prediction tools predict that this variant may have a significant impact on RNA splicing. To our knowledge, functional studies have not been performed for this variant. This variant has not been reported in individuals affected with cardiovascular disorders in the literature. This variant has not been identified in the general population by the Genome Aggregation Database (gnomAD). Clinical relevance of loss-of-function truncation and splice variants in the TGFBR1 gene is not clearly established. The available evidence is insufficient to determine the role of this variant in disease conclusively. Therefore, this variant is classified as a Variant of Uncertain Significance.

Juno Genomics, Hangzhou Juno Genomics, Inc
Classification: Likely pathogenic for Multiple self-healing squamous epithelioma. Review status: criteria provided, single submitter. Criteria: ACMG Guidelines, 2015. Collection method: clinical testing. Allele origin: germline.
Comment: Absent from controls (or at extremely low frequency if recessive) in Genome Aggregation Database.;Null variant in a gene where loss of function (LOF) is a known mechanism of disease.

NM_004612.4(TGFBR1):c.1256-2A>G

Gene: TGFBR1 (transforming growth factor beta receptor 1; plus strand). Cytogenetic location: 9q22.33.
Variant type: single nucleotide variant.
Coding change: c.1256-2A>G on transcript NM_004612.4 (MANE Select); the canonical splice acceptor site of the intron before coding-DNA position 1256, A replaced by G.
Molecular consequence: splice acceptor variant.
Genome position (GRCh38, 1-based): chr9:99,147,652, A>G. VCF-style: chr9-99147652-A-G. GRCh37 (hg19) VCF-style: chr9-101909934-A-G.
Other names: c.1061-2A>G (NM_001407418.1, NM_001407419.1, NM_001407422.1 and 1 more transcripts); c.1049-2A>G (NM_001407423.1, NM_001407424.1, NM_001407425.1 and 8 more transcripts); c.1268-2A>G (NM_001306210.2); c.1100-2A>G (NM_001407416.1); c.1088-2A>G (NM_001407417.1); c.1025-2A>G (NM_001407435.1, NM_001130916.3); c.1010-2A>G (NM_001407436.1); c.779-2A>G (NM_001407438.1); and 1 more.
Identifiers: ClinVar variation 923194 (VCV000923194.5), dbSNP rs1827839566, ClinGen allele CA374233225.